The following is an entry in ClinVar:

ClinVar aggregate classification (germline): Uncertain significance. Review status: criteria provided, multiple submitters, no conflicts (2 of 4 stars). 2 submissions from 2 submitters: Uncertain significance (2). Last evaluated 2026-01-30.

Conditions:
PLEC-related disorder. Also called: PLEC-related condition; PLEC-related disorders.
Epidermolysis bullosa simplex, Ogna type (EBS5A). Also called: Pidermolysis bullosa simplex 5A, Ogna type; EPIDERMOLYSIS BULLOSA SIMPLEX 5A, OGNA TYPE. Identifiers: Orphanet 79401, MedGen C0432317, MONDO:0007555, OMIM 131950.
Autosomal recessive limb-girdle muscular dystrophy type 2Q (LGMDR17). Also called: MUSCULAR DYSTROPHY, LIMB-GIRDLE, AUTOSOMAL RECESSIVE 17. Identifiers: Orphanet 254361, MedGen C3150989, MONDO:0013390, OMIM 613723.
Epidermolysis bullosa simplex with nail dystrophy (EBS5D). Identifiers: MedGen C4225309, MONDO:0014661, OMIM 616487.
Epidermolysis bullosa simplex 5C, with pyloric atresia (EBS5C). Also called: PLEC-Related Epidermolysis Bullosa with Pyloric Atresia; Epidermolysis bullosa simplex with pyloric atresia; PLEC1-Related Epidermolysis Bullosa with Pyloric Atresia. Identifiers: Orphanet 158684, MedGen C2677349, MONDO:0012807, OMIM 612138.
Epidermolysis bullosa simplex 5B, with muscular dystrophy (EBS5B). Also called: Epidermolysis bullosa simplex with muscular dystrophy; EPIDERMOLYSIS BULLOSA SIMPLEX AND LIMB-GIRDLE MUSCULAR DYSTROPHY. Identifiers: Orphanet 257, MedGen C2931072, MONDO:0009181, OMIM 226670.

Allele frequency attached by ClinVar (database versions not stated): gnomAD exomes below 0.00001; TOPMed below 0.00001.

Submissions (2):

PreventionGenetics, part of Exact Sciences
Classification: Uncertain significance for PLEC-related condition. Last evaluated: 2026-01-30. Review status: criteria provided, single submitter. Criteria: ACMG Guidelines, 2015. Collection method: clinical testing. Allele origin: germline.
Comment: The PLEC c.7036G>A variant is predicted to result in the amino acid substitution p.Val2346Met. To our knowledge, this variant has not been reported in the literature or in a large population database (gnomAD). At this time, the clinical significance of this variant is uncertain due to the absence of conclusive functional and genetic evidence.

Labcorp Genetics (formerly Invitae), Labcorp
Classification: Uncertain significance for Autosomal recessive limb-girdle muscular dystrophy type 2Q; Epidermolysis bullosa simplex, Ogna type; Epidermolysis bullosa simplex with nail dystrophy; Epidermolysis bullosa simplex 5C, with pyloric atresia; Epidermolysis bullosa simplex 5B, with muscular dystrophy. Last evaluated: 2025-11-24. Review status: criteria provided, single submitter. Criteria: Invitae Variant Classification Sherloc (09022015). Collection method: clinical testing. Allele origin: germline.
Comment: This sequence change replaces valine, which is neutral and non-polar, with methionine, which is neutral and non-polar, at codon 2346 of the PLEC protein (p.Val2346Met). This variant is not present in population databases (gnomAD no frequency). This variant has not been reported in the literature in individuals affected with PLEC-related conditions. ClinVar contains an entry for this variant (Variation ID: 2940502). An algorithm developed to predict the effect of missense changes on protein structure and function (PolyPhen-2) suggests that this variant is likely to be disruptive. In summary, the available evidence is currently insufficient to determine the role of this variant in disease. Therefore, it has been classified as a Variant of Uncertain Significance.

NM_201384.3(PLEC):c.6955G>A (p.Val2319Met)

Gene: PLEC (plectin; minus strand). Cytogenetic location: 8q24.3.
Variant type: single nucleotide variant.
Coding change: c.6955G>A on transcript NM_201384.3 (MANE Select); coding-DNA position 6955, G replaced by A.
Protein change: p.Val2319Met; replaces valine 2319 with methionine.
Molecular consequence: missense variant. On other transcripts: intron variant (1).
Genome position (GRCh38, 1-based): chr8:143,922,974, C>T on the plus strand (G>A on the coding strand, the complement: PLEC is on the minus strand). VCF-style: chr8-143922974-C-T. GRCh37 (hg19) VCF-style: chr8-144997142-C-T.
Other names: c.7036G>A (NM_000445.4); c.7036G>A, p.Val2346Met (NM_000445.5); c.6913G>A, p.Val2305Met (NM_201378.4); c.6889G>A, p.Val2297Met (NM_201379.3); c.7366G>A, p.Val2456Met (NM_201380.4); c.6859G>A, p.Val2287Met (NM_201381.3); c.6955G>A, p.Val2319Met (NM_201382.4); c.6967G>A, p.Val2323Met (NM_201383.3); and 1 more; short protein forms V2346M, V2297M, V2319M, V2287M, V2305M, V2323M, V2456M.
Identifiers: ClinVar variation 2940502 (VCV002940502.4), dbSNP rs924757619, ClinGen allele CA372531194.